The following is an entry in ClinVar:

NM_001356.5(DDX3X):c.299G>T (p.Gly100Val)

Gene: DDX3X (DEAD-box helicase 3 X-linked; plus strand). Cytogenetic location: Xp11.4.
Variant type: single nucleotide variant.
Coding change: c.299G>T on transcript NM_001356.5 (MANE Select); coding-DNA position 299, G replaced by T.
Protein change: p.Gly100Val; replaces glycine 100 with valine.
Molecular consequence: missense variant. On other transcripts: 5 prime UTR variant (1), non-coding transcript variant (1).
Genome position (GRCh38, 1-based): chrX:41,342,509, G>T. VCF-style: chrX-41342509-G-T. GRCh37 (hg19) VCF-style: chrX-41201762-G-T.
Other names: c.299G>T, p.Gly100Val (NM_001193416.3); c.251G>T, p.Gly84Val (NM_001193417.3); c.-260G>T (NM_001363819.1); short protein forms G84V, G100V.
Identifiers: ClinVar variation 5001717 (VCV005001717.1).

ClinVar aggregate classification (germline): Uncertain significance (1 of 4 stars; one submission).

Conditions:
DDX3X-related disorder. Also called: DDX3X-related condition.

Submission:

PreventionGenetics, part of Exact Sciences
Classification: Uncertain significance for DDX3X-related condition. Last evaluated: 2024-11-29. Review status: criteria provided, single submitter. Criteria: ACMG Guidelines, 2015. Collection method: clinical testing. Allele origin: germline.
Comment: The DDX3X c.299G>T variant is predicted to result in the amino acid substitution p.Gly100Val. To our knowledge, this variant has not been reported in the literature or in a large population database (gnomAD), indicating this variant is rare. At this time, the clinical significance of this variant is uncertain due to the absence of conclusive functional and genetic evidence.